The following is an entry in ClinVar:

NM_022489.4(INF2):c.758_763del (p.Ala253_Glu254del)

Gene: INF2 (inverted formin 2; plus strand). Cytogenetic location: 14q32.33.
Variant type: Deletion.
Coding change: c.758_763del on transcript NM_022489.4 (MANE Select); coding-DNA positions 758 to 763, 6 bases deleted (CCGAGG; older notation c.758_763delCCGAGG).
Protein change: p.Ala253_Glu254del.
Molecular consequence: inframe deletion.
Genome position (GRCh38, 1-based): chr14:104,706,091-104,706,096, CCGAGG deleted; deleting any 6 consecutive bases within chr14:104,706,088-104,706,096 gives the same sequence; the c. name uses the placement nearest the transcript's 3' end. VCF-style (leftmost placement, unchanged base first): chr14-104706087-AAGGCCG-A. GRCh37 (hg19) VCF-style: chr14-105172424-AAGGCCG-A.
Other names: c.758_763del, p.Ala253_Glu254del (NM_001031714.4).
Identifiers: ClinVar variation 835537 (VCV000835537.10), dbSNP rs1889767212, ClinGen allele CA916083402.

ClinVar aggregate classification (germline): Uncertain significance (1 of 4 stars; one submission).

Conditions:
Charcot-Marie-Tooth disease dominant intermediate E. Also called: CHARCOT-MARIE-TOOTH NEUROPATHY WITH FOCAL SEGMENTAL GLOMERULONEPHRITIS. Identifiers: Orphanet 93114, MedGen C4302667, MONDO:0013758, OMIM 614455.
Focal segmental glomerulosclerosis 5 (FSGS5). Identifiers: Orphanet 656, MedGen C2750475, MONDO:0013191, OMIM 613237.

Submission:

Labcorp Genetics (formerly Invitae), Labcorp
Classification: Uncertain significance for Charcot-Marie-Tooth disease dominant intermediate E; Focal segmental glomerulosclerosis 5. Last evaluated: 2022-12-06. Review status: criteria provided, single submitter. Criteria: Invitae Variant Classification Sherloc (09022015). Collection method: clinical testing. Allele origin: germline.
Comment: This variant, c.758_763del, results in the deletion of 2 amino acid(s) of the INF2 protein (p.Ala253_Glu254del), but otherwise preserves the integrity of the reading frame. This variant is not present in population databases (gnomAD no frequency). In summary, the available evidence is currently insufficient to determine the role of this variant in disease. Therefore, it has been classified as a Variant of Uncertain Significance. Experimental studies and prediction algorithms are not available or were not evaluated, and the functional significance of this variant is currently unknown. ClinVar contains an entry for this variant (Variation ID: 835537). This variant has not been reported in the literature in individuals affected with INF2-related conditions.